The following is an entry in ClinVar:

ClinVar aggregate classification (germline): Uncertain significance (1 of 4 stars; one submission).

Allele frequency attached by ClinVar (database versions not stated): TOPMed 0.00002; gnomAD 0.00003.
gnomAD v4.1: 57 of 1,529,988 alleles (0.0037%); highest among the groups gnomAD compares: Middle Eastern, 0.067%; no homozygotes.

Submissions (2):

GeneDx
Classification: Uncertain significance. Last evaluated: 2025-01-10. Review status: criteria provided, single submitter. Criteria: GeneDx Variant Classification Process June 2021. Collection method: clinical testing. Allele origin: germline. Affected: yes.
Comment: In silico analysis supports that this missense variant has a deleterious effect on protein structure/function; In silico analysis supports a deleterious effect on splicing; Has not been previously published as pathogenic or benign to our knowledge

Dr. Peter K. Rogan Lab, Western University
No classification provided (evidence only). Condition: Ovarian serous cystadenocarcinoma. Review status: no classification provided. Collection method: in vitro. Allele origin: not applicable. Functional consequence: retained intron. Not counted in ClinVar's aggregate classification.

NM_001367479.1(DNAH14):c.767G>A (p.Arg256Gln)

Gene: DNAH14 (dynein axonemal heavy chain 14; plus strand). Cytogenetic location: 1q42.12.
Variant type: single nucleotide variant.
Coding change: c.767G>A on transcript NM_001367479.1 (MANE Select); coding-DNA position 767, G replaced by A.
Protein change: p.Arg256Gln; replaces arginine 256 with glutamine.
Molecular consequence: missense variant.
Genome position (GRCh38, 1-based): chr1:224,968,874, G>A. VCF-style: chr1-224968874-G-A. GRCh37 (hg19) VCF-style: chr1-225156576-G-A.
Other names: NM_001373.1:c.767G>A; NC_000001.10:g.225156576G>A; c.767G>A, p.Arg256Gln (NM_001145154.3, NM_001367481.1); c.698G>A, p.Arg233Gln (NM_001349911.2); c.617G>A, p.Arg206Gln (NM_001349912.2); short protein forms R206Q, R233Q, R256Q.
Identifiers: ClinVar variation 2506624 (VCV002506624.6), dbSNP rs969958721, ClinGen allele CA39011667.
Genomic context (GRCh38, chr1:224,968,874, plus strand): 5'-GGCTATCAGAAAGAAGACATTACTATTTATTACGGCAATTCAAGATATTTTCTGATTTCC[G>A]GTGAGGTGAAAAAAATGAAACCAATTCTTTGTAGTTTGATCCTATTGAAGGAGCAGTTGC-3'
Protein context (NP_001354408.1, residues 246-266): LRQFKIFSDF[Arg256Gln]MNKAFVTWKL